The following is an entry in ClinVar:

ClinVar aggregate classification (germline): Uncertain significance (1 of 4 stars; one submission).

gnomAD v4.1: 4 of 1,614,074 alleles (0.00025%); highest among the groups gnomAD compares: East Asian, 0.0022%; no homozygotes.

Submission:

Labcorp Genetics (formerly Invitae), Labcorp
Classification: Uncertain significance. Last evaluated: 2023-08-30. Review status: criteria provided, single submitter. Criteria: Invitae Variant Classification Sherloc (09022015). Collection method: clinical testing. Allele origin: germline.
Comment: In summary, the available evidence is currently insufficient to determine the role of this variant in disease. Therefore, it has been classified as a Variant of Uncertain Significance. Advanced modeling of protein sequence and biophysical properties (such as structural, functional, and spatial information, amino acid conservation, physicochemical variation, residue mobility, and thermodynamic stability) performed at Invitae indicates that this missense variant is not expected to disrupt COL4A1 protein function. ClinVar contains an entry for this variant (Variation ID: 1516677). This variant has not been reported in the literature in individuals affected with COL4A1-related conditions. This variant is present in population databases (rs778175625, gnomAD 0.006%). This sequence change replaces alanine, which is neutral and non-polar, with serine, which is neutral and polar, at codon 144 of the COL4A1 protein (p.Ala144Ser).

NM_001845.6(COL4A1):c.430G>T (p.Ala144Ser)

Gene: COL4A1 (collagen type IV alpha 1 chain; minus strand). Cytogenetic location: 13q34.
Variant type: single nucleotide variant.
Coding change: c.430G>T on transcript NM_001845.6 (MANE Select); coding-DNA position 430, G replaced by T.
Protein change: p.Ala144Ser; replaces alanine 144 with serine.
Molecular consequence: missense variant.
Genome position (GRCh38, 1-based): chr13:110,211,880, C>A on the plus strand (G>T on the coding strand, the complement: COL4A1 is on the minus strand). VCF-style: chr13-110211880-C-A. GRCh37 (hg19) VCF-style: chr13-110864227-C-A.
Other names: c.430G>T, p.Ala144Ser (NM_001303110.2); short protein forms A144S.
Identifiers: ClinVar variation 1516677 (VCV001516677.6), dbSNP rs778175625, ClinGen allele CA7048519.